The following is an entry in ClinVar:

NM_173598.6(KSR2):c.2333A>G (p.His778Arg)

Gene: KSR2 (kinase suppressor of ras 2; minus strand). Cytogenetic location: 12q24.22.
Variant type: single nucleotide variant.
Coding change: c.2333A>G on transcript NM_173598.6 (MANE Select); coding-DNA position 2333, A replaced by G.
Protein change: p.His778Arg; replaces histidine 778 with arginine.
Molecular consequence: missense variant.
Genome position (GRCh38, 1-based): chr12:117,484,533, T>C on the plus strand (A>G on the coding strand, the complement: KSR2 is on the minus strand). VCF-style: chr12-117484533-T-C. GRCh37 (hg19) VCF-style: chr12-117922338-T-C.
Other names: short protein forms H778R.
Identifiers: ClinVar variation 4996002 (VCV004996002.1).

ClinVar aggregate classification (germline): Uncertain significance (1 of 4 stars; one submission).

Conditions:
KSR2-related disorder. Also called: KSR2-related condition.

Submission:

PreventionGenetics, part of Exact Sciences
Classification: Uncertain significance for KSR2-related condition. Last evaluated: 2026-05-20. Review status: criteria provided, single submitter. Criteria: ACMG Guidelines, 2015. Collection method: clinical testing. Allele origin: germline.
Comment: The KSR2 c.2246A>G variant is predicted to result in the amino acid substitution p.His749Arg. To our knowledge, this variant has not been reported in the literature or in a large population database (gnomAD), indicating this variant is rare. At this time, the clinical significance of this variant is uncertain due to the absence of conclusive functional and genetic evidence.